The following is an entry in ClinVar:

NM_002691.4(POLD1):c.201C>T (p.Asp67=)

Gene: POLD1 (DNA polymerase delta 1, catalytic subunit; plus strand). Cytogenetic location: 19q13.33.
Variant type: single nucleotide variant.
Coding change: c.201C>T on transcript NM_002691.4 (MANE Select); coding-DNA position 201, C replaced by T.
Protein change: p.Asp67=; no amino-acid change (aspartic acid 67 retained).
Molecular consequence: synonymous variant. On other transcripts: non-coding transcript variant (1).
Genome position (GRCh38, 1-based): chr19:50,399,052, C>T. VCF-style: chr19-50399052-C-T. GRCh37 (hg19) VCF-style: chr19-50902309-C-T.
Other names: c.201C>T, p.Asp67= (NM_001256849.1, NM_001308632.1).
Identifiers: ClinVar variation 239266 (VCV000239266.17), dbSNP rs753863287, ClinGen allele CA9595630.

ClinVar aggregate classification (germline): Likely benign. Review status: criteria provided, multiple submitters, no conflicts (2 of 4 stars). 4 submissions from 4 submitters: Likely benign (4). Last evaluated 2026-02-02.

Conditions:
POLD1-related polyposis and colorectal cancer syndrome (CRCS10). Also called: COLORECTAL CANCER, SUSCEPTIBILITY TO, ON CHROMOSOME 19q; Colorectal cancer 10; Colorectal cancer, susceptibility to, 10. Identifiers: Orphanet 220460, MedGen C2675481, MONDO:0012953, OMIM 612591.
Hereditary cancer-predisposing syndrome. Also called: Hereditary Cancer Syndrome; Neoplastic Syndromes, Hereditary; Hereditary neoplastic syndrome; Tumor predisposition. Identifiers: Orphanet 140162, MedGen C0027672, MeSH D009386, MONDO:0015356.
Polymerase proofreading-related adenomatous polyposis. Also called: Polymerase proofreading associated polyposis; Polymerase proofreading–associated polyposis (PPAP). Identifiers: Orphanet 447877, MedGen C5202613, MONDO:0018653.

Allele frequency attached by ClinVar (database versions not stated): ExAC below 0.00001; gnomAD 0.00002 and 0.00003; TOPMed 0.00002.
gnomAD v4.1: 61 of 1,552,208 alleles (0.0039%); highest among the groups gnomAD compares: Admixed American, 0.0059%; no homozygotes.

Submissions (4):

Labcorp Genetics (formerly Invitae), Labcorp
Classification: Likely benign for POLD1-related polyposis and colorectal cancer syndrome. Last evaluated: 2026-02-02. Review status: criteria provided, single submitter. Criteria: Invitae Variant Classification Sherloc (09022015). Collection method: clinical testing. Allele origin: germline.

Department of Pathology and Laboratory Medicine, Sinai Health System
Classification: Likely benign for Polymerase proofreading-related adenomatous polyposis. Last evaluated: 2023-08-03. Review status: criteria provided, single submitter. Criteria: ACMG Guidelines, 2015. Collection method: clinical testing. Allele origin: germline. Affected: yes.

Ambry Genetics
Classification: Likely benign for Hereditary cancer-predisposing syndrome. Last evaluated: 2016-05-18. Review status: criteria provided, single submitter. Criteria: Ambry Variant Classification Scheme 2023. Collection method: clinical testing. Allele origin: germline.

GeneDx
Classification: Likely benign. Last evaluated: 2015-11-20. Review status: criteria provided, single submitter. Criteria: GeneDx Variant Classification (06012015). Collection method: clinical testing. Allele origin: germline. Affected: yes.
Comment: This variant is considered likely benign or benign based on one or more of the following criteria: it is a conservative change, it occurs at a poorly conserved position in the protein, it is predicted to be benign by multiple in silico algorithms, and/or has population frequency not consistent with disease.